The following is an entry in ClinVar:

ClinVar aggregate classification (germline): Uncertain significance (1 of 4 stars; one submission).

Submission:

Labcorp Genetics (formerly Invitae), Labcorp
Classification: Uncertain significance. Last evaluated: 2025-03-28. Review status: criteria provided, single submitter. Criteria: Invitae Variant Classification Sherloc (09022015). Collection method: clinical testing. Allele origin: germline.
Comment: This sequence change replaces arginine, which is basic and polar, with threonine, which is neutral and polar, at codon 290 of the KLHL9 protein (p.Arg290Thr). This variant is not present in population databases (gnomAD no frequency). This variant has not been reported in the literature in individuals affected with KLHL9-related conditions. Invitae Evidence Modeling of protein sequence and biophysical properties (such as structural, functional, and spatial information, amino acid conservation, physicochemical variation, residue mobility, and thermodynamic stability) indicates that this missense variant is expected to disrupt KLHL9 protein function with a positive predictive value of 80%. In summary, the available evidence is currently insufficient to determine the role of this variant in disease. Therefore, it has been classified as a Variant of Uncertain Significance.

NM_018847.4(KLHL9):c.869G>C (p.Arg290Thr)

Gene: KLHL9 (kelch like family member 9; minus strand). Cytogenetic location: 9p21.3.
Variant type: single nucleotide variant.
Coding change: c.869G>C on transcript NM_018847.4 (MANE Select); coding-DNA position 869, G replaced by C.
Protein change: p.Arg290Thr; replaces arginine 290 with threonine.
Molecular consequence: missense variant.
Genome position (GRCh38, 1-based): chr9:21,333,991, C>G on the plus strand (G>C on the coding strand, the complement: KLHL9 is on the minus strand). VCF-style: chr9-21333991-C-G. GRCh37 (hg19) VCF-style: chr9-21333990-C-G.
Other names: short protein forms R290T.
Identifiers: ClinVar variation 4741462 (VCV004741462.1).